The following is an entry in ClinVar:

ClinVar aggregate classification (germline): Uncertain significance (1 of 4 stars; one submission).

Conditions:
Anauxetic dysplasia. Identifiers: Orphanet 93347, MedGen C1846796, MONDO:0011773.

gnomAD v4.1: 4 of 693,746 alleles (0.00058%); highest among the groups gnomAD compares: African/African-American, 0.0039%; no homozygotes.

Submission:

Labcorp Genetics (formerly Invitae), Labcorp
Classification: Uncertain significance for Anauxetic dysplasia. Last evaluated: 2024-11-09. Review status: criteria provided, single submitter. Criteria: Invitae Variant Classification Sherloc (09022015). Collection method: clinical testing. Allele origin: germline.
Comment: This variant occurs in the RMRP gene, which encodes an RNA molecule that does not result in a protein product. This variant is not present in population databases (gnomAD no frequency). This variant has not been reported in the literature in individuals affected with RMRP-related conditions. Experimental studies and prediction algorithms are not available or were not evaluated, and the functional significance of this variant is currently unknown. In summary, the available evidence is currently insufficient to determine the role of this variant in disease. Therefore, it has been classified as a Variant of Uncertain Significance.

NR_003051.4(RMRP):n.172G>T

Gene: RMRP (RNA component of mitochondrial RNA processing endoribonuclease; minus strand). Cytogenetic location: 9p13.3.
Variant type: single nucleotide variant.
Molecular consequence: non-coding transcript variant (on NR_003051.4).
Genome position: GRCh38 VCF-style: chr9-35657848-C-A. GRCh37 (hg19) VCF-style: chr9-35657845-C-A.
Identifiers: ClinVar variation 3708694 (VCV003708694.2).
Genomic context (GRCh38, chr9:35,657,848, plus strand): 5'-GCGGACACGCACTGCCTGCGTAACTAGAGGGAGCTGACGGATGACGCCCCCGCGCCACGC[C>A]GCTCAGCGGGATACGCTTCTTGGCGGACTTTGGAGTGGGAAGCGGGGAATGTCTACGTGC-3'